The following is an entry in ClinVar:

ClinVar aggregate classification (germline): Conflicting classifications of pathogenicity. Review status: criteria provided, conflicting classifications (1 of 4 stars). 4 submissions from 4 submitters: Uncertain significance (3); Likely benign (1). Last evaluated 2026-02-01.

Conditions:
Charcot-Marie-Tooth disease type 2. Also called: Charcot-Marie-Tooth type 2. Identifiers: Orphanet 64746, MedGen C0270914, MONDO:0018993.
GARS1-related disorder. Also called: GARS1-related condition.

Allele frequency attached by ClinVar (database versions not stated): gnomAD exomes 0.00001 and 0.00003; gnomAD 0.00002; ExAC 0.00003; TOPMed 0.00003.
gnomAD v4.1: 17 of 1,612,580 alleles (0.0011%); highest among the groups gnomAD compares: Non-Finnish European, 0.0014%; no homozygotes.

Submissions (4):

CeGaT Center for Human Genetics Tuebingen
Classification: Likely benign. Last evaluated: 2026-02-01. Review status: criteria provided, single submitter. Criteria: CeGaT Center For Human Genetics Tuebingen Variant Classification Criteria Version 2. Collection method: clinical testing. Allele origin: germline. Affected: yes. Observed: 2 variant alleles.
Comment: GARS1: BS2

PreventionGenetics, part of Exact Sciences
Classification: Uncertain significance for GARS1-related condition. Last evaluated: 2025-11-25. Review status: criteria provided, single submitter. Criteria: ACMG Guidelines, 2015. Collection method: clinical testing. Allele origin: germline.
Comment: The GARS1 c.1817G>A variant is predicted to result in the amino acid substitution p.Ser606Asn. To our knowledge, this variant has not been reported in the literature. This variant is reported in 0.0062% of alleles in individuals of European (Non-Finnish) descent in gnomAD. At this time, the clinical significance of this variant is uncertain due to the absence of conclusive functional and genetic evidence.

Ambry Genetics
Classification: Uncertain significance. Last evaluated: 2025-08-21. Review status: criteria provided, single submitter. Criteria: Ambry Variant Classification Scheme 2023. Collection method: clinical testing. Allele origin: germline.

Labcorp Genetics (formerly Invitae), Labcorp
Classification: Uncertain significance for Charcot-Marie-Tooth disease type 2. Last evaluated: 2024-10-21. Review status: criteria provided, single submitter. Criteria: Invitae Variant Classification Sherloc (09022015). Collection method: clinical testing. Allele origin: germline.
Comment: This sequence change replaces serine, which is neutral and polar, with asparagine, which is neutral and polar, at codon 606 of the GARS protein (p.Ser606Asn). This variant is present in population databases (rs773316961, gnomAD 0.006%). This variant has not been reported in the literature in individuals affected with GARS-related conditions. ClinVar contains an entry for this variant (Variation ID: 543238). Invitae Evidence Modeling of protein sequence and biophysical properties (such as structural, functional, and spatial information, amino acid conservation, physicochemical variation, residue mobility, and thermodynamic stability) indicates that this missense variant is not expected to disrupt GARS protein function with a negative predictive value of 80%. In summary, the available evidence is currently insufficient to determine the role of this variant in disease. Therefore, it has been classified as a Variant of Uncertain Significance.

NM_002047.4(GARS1):c.1817G>A (p.Ser606Asn)

Gene: GARS1 (glycyl-tRNA synthetase 1; plus strand). Cytogenetic location: 7p14.3.
Variant type: single nucleotide variant.
Coding change: c.1817G>A on transcript NM_002047.4 (MANE Select); coding-DNA position 1817, G replaced by A.
Protein change: p.Ser606Asn; replaces serine 606 with asparagine.
Molecular consequence: missense variant.
Genome position (GRCh38, 1-based): chr7:30,631,455, G>A. VCF-style: chr7-30631455-G-A. GRCh37 (hg19) VCF-style: chr7-30671071-G-A.
Other names: c.1817G>A (NM_002047.3, LRG_243t1); c.1655G>A, p.Ser552Asn (NM_001316772.1); short protein forms S606N, S552N.
Identifiers: ClinVar variation 543238 (VCV000543238.39), dbSNP rs773316961, ClinGen allele CA4206096.